The following is an entry in ClinVar:

ClinVar aggregate classification (germline): Likely pathogenic (1 of 4 stars; one submission).

Conditions:
Autosomal recessive early-onset Parkinson disease 23. Identifiers: Orphanet 2828, MedGen C4225186, MONDO:0014796, OMIM 616840.

Allele frequency attached by ClinVar (database versions not stated): ExAC 0.00001; gnomAD 0.00001; gnomAD exomes 0.00001; TOPMed 0.00001.
gnomAD v4.1: 9 of 1,612,844 alleles (0.00056%); highest among the groups gnomAD compares: Admixed American, 0.0017%; no homozygotes.

Submissions (2):

Neuberg Centre For Genomic Medicine, NCGM
Classification: Likely pathogenic for Autosomal recessive early-onset Parkinson disease 23. Review status: criteria provided, single submitter. Criteria: ACMG Guidelines, 2015. Collection method: clinical testing. Allele origin: germline. Inheritance: Autosomal recessive inheritance. Affected: yes.
Comment: The stop gained p.R3526* in VPS13C (NM_020821.3) has not been reported previously as a pathogenic variant nor as a benign variant, to our knowledge. The p.R3526* variant is observed in 1/34,528 (0.0029%) alleles from individuals of Latino background in gnomAD Exomes and is novel (not in any individuals) in 1000 Genomes. This variant is predicted to cause loss of normal protein function through protein truncation. The p.R3526* variant is a loss of function variant in the gene VPS13C, which is intolerant of Loss of Function variants. The nucleotide change in VPS13C is predicted as conserved by GERP++ and PhyloP across 100 vertebrates. For these reasons, this variant has been classified as Likely Pathogenic.

Dr. Peter K. Rogan Lab, Western University
No classification provided (evidence only). Condition: Gastric cancer. Review status: no classification provided. Collection method: in vitro. Allele origin: not applicable. Functional consequence: cryptic splice site, retained intron. Not counted in ClinVar's aggregate classification.

NM_020821.3(VPS13C):c.10576C>T (p.Arg3526Ter)

Gene: VPS13C (vacuolar protein sorting 13 homolog C; minus strand). Cytogenetic location: 15q22.2.
Variant type: single nucleotide variant.
Coding change: c.10576C>T on transcript NM_020821.3 (MANE Select); coding-DNA position 10576, C replaced by T.
Protein change: p.Arg3526Ter; replaces arginine 3526 with a stop codon.
Molecular consequence: nonsense.
Genome position (GRCh38, 1-based): chr15:61,873,248, G>A on the plus strand (C>T on the coding strand, the complement: VPS13C is on the minus strand). VCF-style: chr15-61873248-G-A. GRCh37 (hg19) VCF-style: chr15-62165447-G-A.
Other names: NC_000015.9:g.62165447G>A; c.10576C>T, p.Arg3526Ter (NM_001018088.3); c.10447C>T, p.Arg3483Ter (NM_017684.5, NM_018080.4); short protein forms R3526*, R3483*.
Identifiers: ClinVar variation 2585188 (VCV002585188.2), dbSNP rs779001393, ClinGen allele CA7594301.